The following is an entry in ClinVar:

ClinVar aggregate classification (germline): Uncertain significance (1 of 4 stars; one submission).

Allele frequency attached by ClinVar (database versions not stated): gnomAD exomes below 0.00001; TOPMed below 0.00001; gnomAD 0.00001.
gnomAD v4.1: 2 of 1,535,946 alleles (0.00013%); highest among the groups gnomAD compares: South Asian, 0.0012%; no homozygotes.

Submission:

Labcorp Genetics (formerly Invitae), Labcorp
Classification: Uncertain significance. Last evaluated: 2022-11-15. Review status: criteria provided, single submitter. Criteria: Invitae Variant Classification Sherloc (09022015). Collection method: clinical testing. Allele origin: germline.
Comment: In summary, the available evidence is currently insufficient to determine the role of this variant in disease. Therefore, it has been classified as a Variant of Uncertain Significance. This sequence change replaces arginine, which is basic and polar, with tryptophan, which is neutral and slightly polar, at codon 816 of the PDZD7 protein (p.Arg816Trp). This variant is not present in population databases (gnomAD no frequency). This variant has not been reported in the literature in individuals affected with PDZD7-related conditions. ClinVar contains an entry for this variant (Variation ID: 1381976). Advanced modeling of protein sequence and biophysical properties (such as structural, functional, and spatial information, amino acid conservation, physicochemical variation, residue mobility, and thermodynamic stability) performed at Invitae indicates that this missense variant is not expected to disrupt PDZD7 protein function.

NM_001195263.2(PDZD7):c.2446C>T (p.Arg816Trp)

Gene: PDZD7 (PDZ domain containing 7; minus strand). Cytogenetic location: 10q24.31.
Variant type: single nucleotide variant.
Coding change: c.2446C>T on transcript NM_001195263.2 (MANE Select); coding-DNA position 2446, C replaced by T.
Protein change: p.Arg816Trp; replaces arginine 816 with tryptophan.
Molecular consequence: missense variant.
Genome position (GRCh38, 1-based): chr10:101,010,443, G>A on the plus strand (C>T on the coding strand, the complement: PDZD7 is on the minus strand). VCF-style: chr10-101010443-G-A. GRCh37 (hg19) VCF-style: chr10-102770200-G-A.
Other names: short protein forms R816W.
Identifiers: ClinVar variation 1381976 (VCV001381976.8), dbSNP rs1398407965, ClinGen allele CA378224164.
Genomic context (GRCh38, chr10:101,010,443, plus strand): 5'-TGGCCCCCACCTTGGCTGCCTCCCCATCCAGAGGTCGTGGCAGAGGGGGTCTGGCCTTCC[G>A]AGGCTTGTGGTAGCGCCCATTGGTCATGCTGGGGGCAGGGGTAGGCACCGGGGATGGGGA-3'
Protein context (NP_001182192.1, residues 806-826): SMTNGRYHKP[Arg816Trp]KARPPLPRPL